The following is an entry in ClinVar:

NM_000393.5(COL5A2):c.493G>C (p.Gly165Arg)

Gene: COL5A2 (collagen type V alpha 2 chain; minus strand). Cytogenetic location: 2q32.2.
Variant type: single nucleotide variant.
Coding change: c.493G>C on transcript NM_000393.5 (MANE Select); coding-DNA position 493, G replaced by C.
Protein change: p.Gly165Arg; replaces glycine 165 with arginine.
Molecular consequence: missense variant.
Genome position (GRCh38, 1-based): chr2:189,092,384, C>G on the plus strand (G>C on the coding strand, the complement: COL5A2 is on the minus strand). VCF-style: chr2-189092384-C-G. GRCh37 (hg19) VCF-style: chr2-189957110-C-G.
Other names: short protein forms G165R.
Identifiers: ClinVar variation 4849142 (VCV004849142.1).
Genomic context (GRCh38, chr2:189,092,384, plus strand): 5'-CGGGTCCTGGGTGGGACGGATGTCCAGGAGGTCCTGGAGCACCAGGTTGACCAGGAACAC[C>G]TGGTTCTCCATCAATTCCCTGAGGTCCACGAGGGCCCTGGAAAACAAGCCAGTTAAAATT-3'
Protein context (NP_000384.2, residues 155-175): RGPQGIDGEP[Gly165Arg]VPGQPGAPGP

ClinVar aggregate classification (germline): Uncertain significance (1 of 4 stars; one submission).

Submission:

Women's Health and Genetics/Laboratory Corporation of America, LabCorp
Classification: Uncertain significance. Last evaluated: 2026-04-22. Review status: criteria provided, single submitter. Criteria: LabCorp Variant Classification Summary - May 2015. Collection method: clinical testing. Allele origin: germline.
Comment: Variant summary: COL5A2 c.493G>C (p.Gly165Arg) results in a non-conservative amino acid change in the encoded protein sequence. Algorithms developed to predict the effect of missense changes on protein structure and function all suggest that this variant is likely to be disruptive. The frequency data for this variant in gnomAD is considered unreliable, as metrics indicate poor data quality at this position. To our knowledge, no occurrence of c.493G>C in individuals affected with COL5A2-related conditions and no experimental evidence demonstrating its impact on protein function have been reported. No submitters have cited clinical-significance assessments for this variant to ClinVar. Based on the evidence outlined above, the variant was classified as uncertain significance.